The following is an entry in ClinVar:

ClinVar aggregate classification (germline): Uncertain significance (1 of 4 stars; one submission).

Conditions:
Cutis laxa, X-linked (OHS). Also called: Occipital horn syndrome; EDS IX. Identifiers: Orphanet 198, MedGen C0268353, MONDO:0010572, OMIM 304150.
Menkes kinky-hair syndrome (MNK). Also called: Copper transport disease; Menkes Disease; Classic Menkes Disease. Identifiers: Orphanet 565, MedGen C0022716, MONDO:0010651, OMIM 309400.
X-linked distal spinal muscular atrophy type 3. Also called: ATP7A-Related Distal Motor Neuropathy; SPINAL MUSCULAR ATROPHY, DISTAL, X-LINKED RECESSIVE; NEURONOPATHY, DISTAL HEREDITARY MOTOR, X-LINKED; NEUROPATHY, DISTAL HEREDITARY MOTOR, X-LINKED. Identifiers: Orphanet 139557, MedGen C1845359, MONDO:0010338, OMIM 300489.

Submission:

Labcorp Genetics (formerly Invitae), Labcorp
Classification: Uncertain significance for X-linked distal spinal muscular atrophy type 3; Cutis laxa, X-linked; Menkes kinky-hair syndrome. Last evaluated: 2022-03-17. Review status: criteria provided, single submitter. Criteria: Invitae Variant Classification Sherloc (09022015). Collection method: clinical testing. Allele origin: germline.
Comment: This sequence change replaces glycine, which is neutral and non-polar, with valine, which is neutral and non-polar, at codon 404 of the ATP7A protein (p.Gly404Val). This variant is not present in population databases (gnomAD no frequency). This variant has not been reported in the literature in individuals affected with ATP7A-related conditions. Advanced modeling of protein sequence and biophysical properties (such as structural, functional, and spatial information, amino acid conservation, physicochemical variation, residue mobility, and thermodynamic stability) performed at Invitae indicates that this missense variant is expected to disrupt ATP7A protein function. In summary, the available evidence is currently insufficient to determine the role of this variant in disease. Therefore, it has been classified as a Variant of Uncertain Significance.

NM_000052.7(ATP7A):c.1211G>T (p.Gly404Val)

Gene: ATP7A (ATPase copper transporting alpha; plus strand). Cytogenetic location: Xq21.1.
Variant type: single nucleotide variant.
Coding change: c.1211G>T on transcript NM_000052.7 (MANE Select); coding-DNA position 1211, G replaced by T.
Protein change: p.Gly404Val; replaces glycine 404 with valine.
Molecular consequence: missense variant.
Genome position (GRCh38, 1-based): chrX:77,989,833, G>T. VCF-style: chrX-77989833-G-T. GRCh37 (hg19) VCF-style: chrX-77245329-G-T.
Other names: c.1211G>T, p.Gly404Val (NM_001282224.2); short protein forms G404V.
Identifiers: ClinVar variation 2191747 (VCV002191747.4), dbSNP rs782000271, ClinGen allele CA413602059.